The following is an entry in ClinVar:

NM_000255.4(MMUT):c.1733C>T (p.Ala578Val)

Gene: MMUT (methylmalonyl-CoA mutase; minus strand). Cytogenetic location: 6p12.3.
Variant type: single nucleotide variant.
Coding change: c.1733C>T on transcript NM_000255.4 (MANE Select); coding-DNA position 1733, C replaced by T.
Protein change: p.Ala578Val; replaces alanine 578 with valine.
Molecular consequence: missense variant.
Genome position (GRCh38, 1-based): chr6:49,441,915, G>A on the plus strand (C>T on the coding strand, the complement: MMUT is on the minus strand). VCF-style: chr6-49441915-G-A. GRCh37 (hg19) VCF-style: chr6-49409628-G-A.
Other names: c.1733C>T (NM_000255.3); short protein forms A578V.
Identifiers: ClinVar variation 1525605 (VCV001525605.6), dbSNP rs759674071, ClinGen allele CA3846761.

ClinVar aggregate classification (germline): Uncertain significance. Review status: criteria provided, multiple submitters, no conflicts (2 of 4 stars). 2 submissions from 2 submitters: Uncertain significance (2). Last evaluated 2025-08-01.

Allele frequency attached by ClinVar (database versions not stated): gnomAD 0.00001; ExAC 0.00002; TOPMed 0.00002; gnomAD exomes 0.00003 and 0.00004.

Submissions (2):

Ambry Genetics
Classification: Uncertain significance. Last evaluated: 2025-08-01. Review status: criteria provided, single submitter. Criteria: Ambry Variant Classification Scheme 2023. Collection method: clinical testing. Allele origin: germline.

Labcorp Genetics (formerly Invitae), Labcorp
Classification: Uncertain significance. Last evaluated: 2022-09-27. Review status: criteria provided, single submitter. Criteria: Invitae Variant Classification Sherloc (09022015). Collection method: clinical testing. Allele origin: germline.
Comment: This sequence change replaces alanine, which is neutral and non-polar, with valine, which is neutral and non-polar, at codon 578 of the MUT protein (p.Ala578Val). This variant is present in population databases (rs759674071, gnomAD 0.01%). This variant has not been reported in the literature in individuals affected with MUT-related conditions. ClinVar contains an entry for this variant (Variation ID: 1525605). Advanced modeling of protein sequence and biophysical properties (such as structural, functional, and spatial information, amino acid conservation, physicochemical variation, residue mobility, and thermodynamic stability) has been performed at Invitae for this missense variant, however the output from this modeling did not meet the statistical confidence thresholds required to predict the impact of this variant on MUT protein function. Algorithms developed to predict the effect of sequence changes on RNA splicing suggest that this variant may create or strengthen a splice site. In summary, the available evidence is currently insufficient to determine the role of this variant in disease. Therefore, it has been classified as a Variant of Uncertain Significance.